The following is an entry in ClinVar:

ClinVar aggregate classification (germline): Uncertain significance. Review status: criteria provided, multiple submitters, no conflicts (2 of 4 stars). 2 submissions from 2 submitters: Uncertain significance (2). Last evaluated 2024-08-11.

Conditions:
Inborn genetic diseases. Identifiers: MedGen C0950123, MeSH D030342.

Allele frequency attached by ClinVar (database versions not stated): gnomAD 0.00001; gnomAD exomes 0.00001; TOPMed 0.00001.
gnomAD v4.1: 11 of 1,613,258 alleles (0.00068%); highest among the groups gnomAD compares: South Asian, 0.0044%; no homozygotes.

Submissions (2):

Ambry Genetics
Classification: Uncertain significance for Inborn genetic diseases. Last evaluated: 2024-08-11. Review status: criteria provided, single submitter. Criteria: Ambry Variant Classification Scheme 2023. Collection method: clinical testing. Allele origin: germline.

Labcorp Genetics (formerly Invitae), Labcorp
Classification: Uncertain significance. Last evaluated: 2023-10-04. Review status: criteria provided, single submitter. Criteria: Invitae Variant Classification Sherloc (09022015). Collection method: clinical testing. Allele origin: germline.
Comment: This sequence change replaces threonine, which is neutral and polar, with isoleucine, which is neutral and non-polar, at codon 1929 of the MYH3 protein (p.Thr1929Ile). This variant is present in population databases (no rsID available, gnomAD 0.003%). This variant has not been reported in the literature in individuals affected with MYH3-related conditions. Advanced modeling of protein sequence and biophysical properties (such as structural, functional, and spatial information, amino acid conservation, physicochemical variation, residue mobility, and thermodynamic stability) performed at Invitae indicates that this missense variant is not expected to disrupt MYH3 protein function. In summary, the available evidence is currently insufficient to determine the role of this variant in disease. Therefore, it has been classified as a Variant of Uncertain Significance.

NM_002470.4(MYH3):c.5786C>T (p.Thr1929Ile)

Gene: MYH3 (myosin heavy chain 3; minus strand). Cytogenetic location: 17p13.1.
Variant type: single nucleotide variant.
Coding change: c.5786C>T on transcript NM_002470.4 (MANE Select); coding-DNA position 5786, C replaced by T.
Protein change: p.Thr1929Ile; replaces threonine 1929 with isoleucine.
Molecular consequence: missense variant.
Genome position (GRCh38, 1-based): chr17:10,629,607, G>A on the plus strand (C>T on the coding strand, the complement: MYH3 is on the minus strand). VCF-style: chr17-10629607-G-A. GRCh37 (hg19) VCF-style: chr17-10532924-G-A.
Other names: c.5786C>T (NM_002470.3); short protein forms T1929I.
Identifiers: ClinVar variation 2853922 (VCV002853922.2), dbSNP rs867200333, ClinGen allele CA287776956.
Genomic context (GRCh38, chr17:10,629,607, plus strand): 5'-GAAGTTTCTACAGTCCCTGGGGGGGGGCTCCTCCCAGCTCAGCGACTCACCCTGCTGGAG[G>A]TGAAGTCTCGAGTCTTAGCGCGGAGCTTGTTGACTTGAGATTCTGCGATATCCGCACGTT-3'
Protein context (NP_002461.2, residues 1919-1939): NKLRAKTRDF[Thr1929Ile]SSRMVVHESE